The following is an entry in ClinVar:

NM_024652.6(LRRK1):c.70C>T (p.Pro24Ser)

Gene: LRRK1 (leucine rich repeat kinase 1; plus strand). Cytogenetic location: 15q26.3.
Variant type: single nucleotide variant.
Coding change: c.70C>T on transcript NM_024652.6 (MANE Select); coding-DNA position 70, C replaced by T.
Protein change: p.Pro24Ser; replaces proline 24 with serine.
Molecular consequence: missense variant.
Genome position (GRCh38, 1-based): chr15:100,924,702, C>T. VCF-style: chr15-100924702-C-T. GRCh37 (hg19) VCF-style: chr15-101464907-C-T.
Other names: short protein forms P24S.
Identifiers: ClinVar variation 1923738 (VCV001923738.2), dbSNP rs2505610671, ClinGen allele CA393949803.
Genomic context (GRCh38, chr15:100,924,702, plus strand): 5'-ATGTCGCAAAGACCCCCCAGCATGTACTGGTGTGTGGGGCCGGAGGAGTCAGCTGTGTGT[C>T]CAGAACGTGCCATGGAGACGCTTAACGGTAAGGACAGGGCTGTGCTTATGCCTGCCTGGG-3'
Protein context (NP_078928.3, residues 14-34): CVGPEESAVC[Pro24Ser]ERAMETLNGA

ClinVar aggregate classification (germline): Uncertain significance (1 of 4 stars; one submission).

Allele frequency attached by ClinVar (database versions not stated): gnomAD exomes below 0.00001.
gnomAD v4.1: 6 of 1,614,092 alleles (0.00037%); highest among the groups gnomAD compares: Non-Finnish European, 0.00042%; no homozygotes.

Submission:

Labcorp Genetics (formerly Invitae), Labcorp
Classification: Uncertain significance. Last evaluated: 2022-02-28. Review status: criteria provided, single submitter. Criteria: Invitae Variant Classification Sherloc (09022015). Collection method: clinical testing. Allele origin: germline.
Comment: This sequence change replaces proline, which is neutral and non-polar, with serine, which is neutral and polar, at codon 24 of the LRRK1 protein (p.Pro24Ser). This variant is not present in population databases (gnomAD no frequency). This variant has not been reported in the literature in individuals affected with LRRK1-related conditions. Algorithms developed to predict the effect of missense changes on protein structure and function (SIFT, PolyPhen-2, Align-GVGD) all suggest that this variant is likely to be tolerated. In summary, the available evidence is currently insufficient to determine the role of this variant in disease. Therefore, it has been classified as a Variant of Uncertain Significance.